The following is an entry in ClinVar:

ClinVar aggregate classification (germline): Conflicting classifications of pathogenicity. Review status: criteria provided, conflicting classifications (1 of 4 stars). 2 submissions from 2 submitters: Likely pathogenic (1); Uncertain significance (1). Last evaluated 2026-04-29.

Conditions:
Alagille syndrome due to a JAG1 point mutation. Also called: Alagille Syndrome 1; JAG1-Related Alagille Syndrome; HEPATIC DUCTULAR HYPOPLASIA, SYNDROMATIC. Identifiers: Orphanet 261619, Orphanet 52, MedGen C1956125, MONDO:0016862, OMIM 118450.
JAG1-related disorder. Also called: JAG1-related condition; JAG1-related disorders.

Submissions (2):

PreventionGenetics, part of Exact Sciences
Classification: Likely pathogenic for JAG1-related condition. Last evaluated: 2026-04-29. Review status: criteria provided, single submitter. Criteria: ACMG Guidelines, 2015. Collection method: clinical testing. Allele origin: germline.
Comment: The JAG1 c.355C>T variant is predicted to result in the amino acid substitution p.Arg119Cys. To our knowledge, this variant has not been reported in the literature in individuals with JAG1-related disease. To our knowledge, this variant has not been reported in a large population database (gnomAD), indicating this variant is rare. Statistical evidence in gnomAD suggests this region of the JAG1 gene is intolerant of missense variation. This variant is interpreted as likely pathogenic.

Labcorp Genetics (formerly Invitae), Labcorp
Classification: Uncertain significance for Alagille syndrome due to a JAG1 point mutation. Last evaluated: 2017-12-29. Review status: criteria provided, single submitter. Criteria: Invitae Variant Classification Sherloc (09022015). Collection method: clinical testing. Allele origin: germline.
Comment: In summary, the available evidence is currently insufficient to determine the role of this variant in disease. Therefore, it has been classified as a Variant of Uncertain Significance. Algorithms developed to predict the effect of missense changes on protein structure and function (SIFT, PolyPhen-2, Align-GVGD) all suggest that this variant is likely to be disruptive, but these predictions have not been confirmed by published functional studies and their clinical significance is uncertain. This variant has not been reported in the literature in individuals with JAG1-related disease. This variant is not present in population databases (ExAC no frequency). This sequence change replaces arginine with cysteine at codon 119 of the JAG1 protein (p.Arg119Cys). The arginine residue is highly conserved and there is a large physicochemical difference between arginine and cysteine.

NM_000214.3(JAG1):c.355C>T (p.Arg119Cys)

Gene: JAG1 (jagged canonical Notch ligand 1; minus strand). Cytogenetic location: 20p12.2.
Variant type: single nucleotide variant.
Coding change: c.355C>T on transcript NM_000214.3 (MANE Select); coding-DNA position 355, C replaced by T.
Protein change: p.Arg119Cys; replaces arginine 119 with cysteine.
Molecular consequence: missense variant.
Genome position (GRCh38, 1-based): chr20:10,672,733, G>A on the plus strand (C>T on the coding strand, the complement: JAG1 is on the minus strand). VCF-style: chr20-10672733-G-A. GRCh37 (hg19) VCF-style: chr20-10653381-G-A.
Other names: c.355C>T, p.Arg119Cys (LRG_1191t1); short protein forms R119C.
Identifiers: ClinVar variation 536531 (VCV000536531.9), dbSNP rs1555830925, ClinGen allele CA408242471.
Genomic context (GRCh38, chr20:10,672,733, plus strand): 5'-CCGGCCTCCTTCCCGAGTAGTCACTCACCGGCCAGGCGAAACTGAAAGGCAGCACGATGC[G>A]GTTGCGGTCGTTGCCGCGGCTGGCCTTGAGGTTGAAGGTGTTGCCCCCGATGACAGGCGT-3'
Protein context (NP_000205.1, residues 109-129): LKASRGNDRN[Arg119Cys]IVLPFSFAWP